The following is an entry in ClinVar:

ClinVar aggregate classification (germline): Uncertain significance. Review status: criteria provided, multiple submitters, no conflicts (2 of 4 stars). 3 submissions from 3 submitters: Uncertain significance (3). Last evaluated 2024-11-10.

Conditions:
Congenital factor V deficiency. Also called: Hereditary factor V deficiency disease; LABILE FACTOR DEFICIENCY; OWREN PARAHEMOPHILIA; PARAHEMOPHILIA. Identifiers: Orphanet 326, MedGen C0015499, MONDO:0009210, OMIM 227400.
Inborn genetic diseases. Identifiers: MedGen C0950123, MeSH D030342.

Allele frequency attached by ClinVar (database versions not stated): gnomAD exomes below 0.00001 and 0.00001; TOPMed below 0.00001; ExAC 0.00001.
gnomAD v4.1: 2 of 1,613,770 alleles (0.00012%); highest among the groups gnomAD compares: Admixed American, 0.0017%; no homozygotes.

Submissions (3):

Ambry Genetics
Classification: Uncertain significance for Inborn genetic diseases. Last evaluated: 2024-11-10. Review status: criteria provided, single submitter. Criteria: Ambry Variant Classification Scheme 2023. Collection method: clinical testing. Allele origin: germline.
Comment: The p.V658A variant (also known as c.1973T>C), located in coding exon 12 of the F5 gene, results from a T to C substitution at nucleotide position 1973. The valine at codon 658 is replaced by alanine, an amino acid with similar properties. This amino acid position is conserved. In addition, the in silico prediction for this alteration is inconclusive. Based on the available evidence, the clinical significance of this variant remains unclear.

Labcorp Genetics (formerly Invitae), Labcorp
Classification: Uncertain significance for Congenital factor V deficiency. Last evaluated: 2024-05-06. Review status: criteria provided, single submitter. Criteria: Invitae Variant Classification Sherloc (09022015). Collection method: clinical testing. Allele origin: germline.
Comment: This sequence change replaces valine, which is neutral and non-polar, with alanine, which is neutral and non-polar, at codon 658 of the F5 protein (p.Val658Ala). This variant is present in population databases (rs760114041, gnomAD 0.003%). This variant has not been reported in the literature in individuals affected with F5-related conditions. ClinVar contains an entry for this variant (Variation ID: 1308782). An algorithm developed to predict the effect of missense changes on protein structure and function (PolyPhen-2) suggests that this variant is likely to be disruptive. In summary, the available evidence is currently insufficient to determine the role of this variant in disease. Therefore, it has been classified as a Variant of Uncertain Significance.

GeneDx
Classification: Uncertain significance. Last evaluated: 2019-10-03. Review status: criteria provided, single submitter. Criteria: GeneDx Variant Classification Process June 2021. Collection method: clinical testing. Allele origin: germline. Affected: yes.
Comment: In silico analysis, which includes protein predictors and evolutionary conservation, supports a deleterious effect; Has not been previously published as pathogenic or benign to our knowledge

NM_000130.5(F5):c.1973T>C (p.Val658Ala)

Gene: F5 (coagulation factor V; minus strand). Cytogenetic location: 1q24.2.
Variant type: single nucleotide variant.
Coding change: c.1973T>C on transcript NM_000130.5 (MANE Select); coding-DNA position 1973, T replaced by C.
Protein change: p.Val658Ala; replaces valine 658 with alanine.
Molecular consequence: missense variant.
Genome position (GRCh38, 1-based): chr1:169,544,298, A>G on the plus strand (T>C on the coding strand, the complement: F5 is on the minus strand). VCF-style: chr1-169544298-A-G. GRCh37 (hg19) VCF-style: chr1-169513536-A-G.
Other names: short protein forms V658A.
Identifiers: ClinVar variation 1308782 (VCV001308782.5), dbSNP rs760114041, ClinGen allele CA1234192.